The following is an entry in ClinVar:

ClinVar aggregate classification (germline): Uncertain significance (1 of 4 stars; one submission).

Conditions:
Emery-Dreifuss muscular dystrophy 4, autosomal dominant (EDMD4). Also called: EMERY-DREIFUSS MUSCULAR DYSTROPHY 4 WITH VARIABLE FEATURES. Identifiers: Orphanet 261, MedGen C2751807, MONDO:0013071, OMIM 612998.
Autosomal recessive ataxia, Beauce type. Also called: ATAXIA, RECESSIVE, OF BEAUCE; SYNE1 Deficiency; Spinocerebellar ataxia, autosomal recessive 8; SYNE1-Related Autosomal Recessive Cerebellar Ataxia. Identifiers: Orphanet 88644, MedGen C1853116, MONDO:0012549, OMIM 610743.

Allele frequency attached by ClinVar (database versions not stated): gnomAD exomes below 0.00001; gnomAD 0.00001.
gnomAD v4.1: 2 of 1,614,008 alleles (0.00012%); highest among the groups gnomAD compares: Non-Finnish European, 0.00017%; no homozygotes.

Submission:

Labcorp Genetics (formerly Invitae), Labcorp
Classification: Uncertain significance for Emery-Dreifuss muscular dystrophy 4, autosomal dominant; Autosomal recessive ataxia, Beauce type. Last evaluated: 2019-12-03. Review status: criteria provided, single submitter. Criteria: Invitae Variant Classification Sherloc (09022015). Collection method: clinical testing. Allele origin: germline.
Comment: In summary, the available evidence is currently insufficient to determine the role of this variant in disease. Therefore, it has been classified as a Variant of Uncertain Significance. Algorithms developed to predict the effect of missense changes on protein structure and function (SIFT, PolyPhen-2, Align-GVGD) all suggest that this variant is likely to be disruptive, but these predictions have not been confirmed by published functional studies and their clinical significance is uncertain. This variant has not been reported in the literature in individuals with SYNE1-related conditions. This variant is not present in population databases (ExAC no frequency). This sequence change replaces leucine with serine at codon 3607 of the SYNE1 protein (p.Leu3607Ser). The leucine residue is highly conserved and there is a large physicochemical difference between leucine and serine.

NM_182961.4(SYNE1):c.10799T>C (p.Leu3600Ser)

Gene: SYNE1 (spectrin repeat containing nuclear envelope protein 1; minus strand). Cytogenetic location: 6q25.2.
Variant type: single nucleotide variant.
Coding change: c.10799T>C on transcript NM_182961.4 (MANE Select); coding-DNA position 10799, T replaced by C.
Protein change: p.Leu3600Ser; replaces leucine 3600 with serine.
Molecular consequence: missense variant.
Genome position (GRCh38, 1-based): chr6:152,354,786, A>G on the plus strand (T>C on the coding strand, the complement: SYNE1 is on the minus strand). VCF-style: chr6-152354786-A-G. GRCh37 (hg19) VCF-style: chr6-152675921-A-G.
Other names: c.10820T>C, p.Leu3607Ser (NM_033071.5); short protein forms L3600S, L3607S.
Identifiers: ClinVar variation 849330 (VCV000849330.9), dbSNP rs1444678849, ClinGen allele CA366125255.